The following is an entry in ClinVar:

ClinVar aggregate classification (germline): Uncertain significance (1 of 4 stars; one submission).

Allele frequency attached by ClinVar (database versions not stated): gnomAD exomes below 0.00001.
gnomAD v4.1: 1 of 1,599,582 alleles (0.000063%); highest among the groups gnomAD compares: Non-Finnish European, 0.000086%; no homozygotes.

Submission:

Labcorp Genetics (formerly Invitae), Labcorp
Classification: Uncertain significance. Last evaluated: 2022-08-16. Review status: criteria provided, single submitter. Criteria: Invitae Variant Classification Sherloc (09022015). Collection method: clinical testing. Allele origin: germline.
Comment: In summary, the available evidence is currently insufficient to determine the role of this variant in disease. Therefore, it has been classified as a Variant of Uncertain Significance. Algorithms developed to predict the effect of missense changes on protein structure and function (SIFT, PolyPhen-2, Align-GVGD) all suggest that this variant is likely to be tolerated. This variant has not been reported in the literature in individuals affected with RNF216-related conditions. This variant is not present in population databases (gnomAD no frequency). This sequence change replaces glutamine, which is neutral and polar, with leucine, which is neutral and non-polar, at codon 836 of the RNF216 protein (p.Gln836Leu).

NM_207111.4(RNF216):c.2507A>T (p.Gln836Leu)

Gene: RNF216 (ring finger protein 216; minus strand). Cytogenetic location: 7p22.1.
Variant type: single nucleotide variant.
Coding change: c.2507A>T on transcript NM_207111.4 (MANE Select); coding-DNA position 2507, A replaced by T.
Protein change: p.Gln836Leu; replaces glutamine 836 with leucine.
Molecular consequence: missense variant.
Genome position (GRCh38, 1-based): chr7:5,623,125, T>A on the plus strand (A>T on the coding strand, the complement: RNF216 is on the minus strand). VCF-style: chr7-5623125-T-A. GRCh37 (hg19) VCF-style: chr7-5662756-T-A.
Other names: c.2336A>T, p.Gln779Leu (NM_001377156.1, NM_207116.3); short protein forms Q779L, Q836L.
Identifiers: ClinVar variation 1968486 (VCV001968486.5), dbSNP rs1786492862, ClinGen allele CA366731317.